The following is an entry in ClinVar:

ClinVar aggregate classification (germline): Likely benign (1 of 4 stars; one submission).

Allele frequency attached by ClinVar (database versions not stated): gnomAD exomes below 0.00001.

Submission:

CeGaT Center for Human Genetics Tuebingen
Classification: Likely benign. Last evaluated: 2022-12-01. Review status: criteria provided, single submitter. Criteria: CeGaT Center For Human Genetics Tuebingen Variant Classification Criteria Version 2. Collection method: clinical testing. Allele origin: germline. Affected: yes. Observed: 1 variant allele.
Comment: LRRC26: PM2:Supporting, BP4, BP7

NM_001013653.3(LRRC26):c.444C>T (p.Leu148=)

Genes: LRRC26 (leucine rich repeat containing 26; minus strand), LOC130003088 (ATAC-STARR-seq lymphoblastoid silent region 20586; plus strand). Cytogenetic location: 9q34.3.
Variant type: single nucleotide variant.
Coding change: c.444C>T on transcript NM_001013653.3 (MANE Select); coding-DNA position 444, C replaced by T.
Protein change: p.Leu148=; no amino-acid change (leucine 148 retained).
Molecular consequence: synonymous variant.
Genome position (GRCh38, 1-based): chr9:137,169,500, G>A on the plus strand (C>T on the coding strand, the complement: LRRC26 is on the minus strand). VCF-style: chr9-137169500-G-A. GRCh37 (hg19) VCF-style: chr9-140063952-G-A.
Identifiers: ClinVar variation 2659812 (VCV002659812.24), dbSNP rs2538678593, ClinGen allele CA467851368.